The following is an entry in ClinVar:

ClinVar aggregate classification (germline): Benign/Likely benign. Review status: criteria provided, multiple submitters, no conflicts (2 of 4 stars). 8 submissions from 8 submitters: Benign (5); Likely benign (2). 1 of the submissions does not count toward it. Last evaluated 2026-02-02.

Conditions:
SOS2-related disorder. Also called: SOS2-related condition.
Noonan syndrome and Noonan-related syndrome. Identifiers: Orphanet 98733, MedGen C5681679, MONDO:0020297.
Noonan syndrome 9 (NS9). Identifiers: Orphanet 648, MedGen C4225282, MONDO:0014691, OMIM 616559.
Cardiovascular phenotype. Identifiers: MedGen CN230736.

Allele frequency attached by ClinVar (database versions not stated): 1000 Genomes Project 30x 0.00016; 1000 Genomes Project 0.00020; TOPMed 0.00032; gnomAD 0.00033 and 0.00034.
gnomAD v4.1: 376 of 1,349,748 alleles (0.028%); highest among the groups gnomAD compares: Middle Eastern, 0.2%; no homozygotes.

Submissions (8):

Labcorp Genetics (formerly Invitae), Labcorp
Classification: Likely benign for Noonan syndrome 9. Last evaluated: 2026-02-02. Review status: criteria provided, single submitter. Criteria: Invitae Variant Classification Sherloc (09022015). Collection method: clinical testing. Allele origin: germline.

Blueprint Genetics
Classification: Likely benign. Last evaluated: 2024-11-22. Review status: criteria provided, single submitter. Criteria: ACMG Guidelines, 2015. Collection method: clinical testing. Allele origin: germline.

CeGaT Center for Human Genetics Tuebingen
Classification: Benign. Last evaluated: 2022-07-01. Review status: criteria provided, single submitter. Criteria: CeGaT Center For Human Genetics Tuebingen Variant Classification Criteria Version 2. Collection method: clinical testing. Allele origin: germline. Affected: yes. Observed: 1 variant allele.
Comment: SOS2: BS1, BS2

Women's Health and Genetics/Laboratory Corporation of America, LabCorp
Classification: Benign. Last evaluated: 2021-04-08. Review status: criteria provided, single submitter. Criteria: LabCorp Variant Classification Summary - May 2015. Collection method: clinical testing. Allele origin: germline.
Comment: Variant summary: SOS2 c.2854G>A (p.Asp952Asn) results in a conservative amino acid change located in the Ras guanine-nucleotide exchange factors catalytic domain (IPR001895) of the encoded protein sequence. Four of five in-silico tools predict a benign effect of the variant on protein function. The variant allele was found at a frequency of 0.00032 in 227036 control chromosomes, predominantly at a frequency of 0.0012 within the Latino subpopulation in the gnomAD database. The observed variant frequency within Latino control individuals in the gnomAD database is approximately 480-fold of the estimated maximal expected allele frequency for a pathogenic variant in SOS2 causing Noonan Syndrome And Related Conditions phenotype (2.5e-06), strongly suggesting that the variant is a benign polymorphism found primarily in populations of Latino origin. c.2854G>A has been reported in the literature in an individual affected with RASopathy disorder and was described by the authors as "Likely disease-unrelated" (Cordeddu_2015), while it was also detected in another RASopathy-like sample co-occurring with a pathogenic variant (RAF1 c.770C>T, p.Ser257Leu; Castellanos_2020). Furthermore, the variant was detected in a case with metachondromatosis (Bowen_2011) and it was also detected in unaffected controls without Noonan Syndrome phenotype (Yamamoto_2015). These reports do not support association of the variant with Noonan Syndrome and Related Conditions. To our knowledge, no experimental evidence demonstrating an impact on protein function has been reported. A ClinVar submitter (evaluation after 2014) cites the variant as likely benign. Based on the evidence outlined above, the variant was classified as benign.

Genome Diagnostics Laboratory, The Hospital for Sick Children
Classification: Benign for Noonan syndrome and Noonan-related syndrome. Last evaluated: 2020-09-25. Review status: criteria provided, single submitter. Criteria: ACMG Guidelines, 2015. Collection method: clinical testing. Allele origin: germline.

Ambry Genetics
Classification: Benign for Cardiovascular phenotype. Last evaluated: 2019-11-20. Review status: criteria provided, single submitter. Criteria: Ambry Variant Classification Scheme 2023. Collection method: clinical testing. Allele origin: germline.

Genome-Nilou Lab
Classification: Benign for Noonan syndrome 9. Review status: criteria provided, single submitter. Criteria: ACMG Guidelines, 2015. Collection method: clinical testing. Allele origin: germline.

PreventionGenetics, part of Exact Sciences
Classification: Likely benign for SOS2-related condition. Last evaluated: 2021-03-26. Review status: no assertion criteria provided. Collection method: clinical testing. Allele origin: germline. Not counted in ClinVar's aggregate classification.
Comment: This variant is classified as likely benign based on ACMG/AMP sequence variant interpretation guidelines (Richards et al. 2015 PMID: 25741868, with internal and published modifications).

Literature cited by the submitters: PubMed 26173643 (cited by Women's Health and Genetics/Laboratory Corporation of America, LabCorp); PubMed 25795793 (cited by Women's Health and Genetics/Laboratory Corporation of America, LabCorp); PubMed 21533187 (cited by Women's Health and Genetics/Laboratory Corporation of America, LabCorp); PubMed 31573083 (cited by Women's Health and Genetics/Laboratory Corporation of America, LabCorp).

NM_006939.4(SOS2):c.2854G>A (p.Asp952Asn)

Gene: SOS2 (SOS Ras/Rho guanine nucleotide exchange factor 2; minus strand). Cytogenetic location: 14q21.3.
Variant type: single nucleotide variant.
Coding change: c.2854G>A on transcript NM_006939.4 (MANE Select); coding-DNA position 2854, G replaced by A.
Protein change: p.Asp952Asn; replaces aspartic acid 952 with asparagine.
Molecular consequence: missense variant.
Genome position (GRCh38, 1-based): chr14:50,138,716, C>T on the plus strand (G>A on the coding strand, the complement: SOS2 is on the minus strand). VCF-style: chr14-50138716-C-T. GRCh37 (hg19) VCF-style: chr14-50605434-C-T.
Other names: short protein forms D952N.
Identifiers: ClinVar variation 542404 (VCV000542404.48), dbSNP rs200387871, ClinGen allele CA7176923.